The following is an entry in ClinVar:

ClinVar aggregate classification (germline): Uncertain significance (1 of 4 stars; one submission).

gnomAD v4.1: 3 of 1,614,166 alleles (0.00019%); highest among the groups gnomAD compares: Non-Finnish European, 0.00017%; no homozygotes.

Submission:

Women's Health and Genetics/Laboratory Corporation of America, LabCorp
Classification: Uncertain significance. Last evaluated: 2026-05-27. Review status: criteria provided, single submitter. Criteria: LabCorp Variant Classification Summary - May 2015. Collection method: clinical testing. Allele origin: germline.
Comment: Variant summary: AFF3 c.2540C>T (p.Thr847Ile) results in a non-conservative amino acid change in the encoded protein sequence. Algorithms developed to predict the effect of missense changes on protein structure and function are either unavailable or do not agree on the potential impact of this missense change. The variant was absent in 251480 control chromosomes. The available data on variant occurrences in the general population are insufficient to allow any conclusion about variant significance. To our knowledge, no occurrence of c.2540C>T in individuals affected with AFF3-related conditions and no experimental evidence demonstrating its impact on protein function have been reported. No submitters have cited clinical-significance assessments for this variant to ClinVar. Based on the evidence outlined above, the variant was classified as uncertain significance.

NM_001386135.1(AFF3):c.2540C>T (p.Thr847Ile)

Gene: AFF3 (ALF transcription elongation factor 3; minus strand). Cytogenetic location: 2q11.2.
Variant type: single nucleotide variant.
Coding change: c.2540C>T on transcript NM_001386135.1 (MANE Select); coding-DNA position 2540, C replaced by T.
Protein change: p.Thr847Ile; replaces threonine 847 with isoleucine.
Molecular consequence: missense variant.
Genome position (GRCh38, 1-based): chr2:99,587,205, G>A on the plus strand (C>T on the coding strand, the complement: AFF3 is on the minus strand). VCF-style: chr2-99587205-G-A. GRCh37 (hg19) VCF-style: chr2-100203667-G-A.
Other names: c.2615C>T, p.Thr872Ile (NM_001025108.2); c.2540C>T, p.Thr847Ile (NM_002285.3); short protein forms T847I, T872I.
Identifiers: ClinVar variation 4853655 (VCV004853655.1).